The following is an entry in ClinVar:

ClinVar aggregate classification (germline): Uncertain significance (1 of 4 stars; one submission).

Allele frequency attached by ClinVar (database versions not stated): gnomAD exomes below 0.00001; TOPMed below 0.00001; gnomAD 0.00001.
gnomAD v4.1: 7 of 1,612,410 alleles (0.00043%); highest among the groups gnomAD compares: Middle Eastern, 0.033%; no homozygotes.

Submission:

Labcorp Genetics (formerly Invitae), Labcorp
Classification: Uncertain significance. Last evaluated: 2022-06-28. Review status: criteria provided, single submitter. Criteria: Invitae Variant Classification Sherloc (09022015). Collection method: clinical testing. Allele origin: germline.
Comment: This sequence change falls in intron 11 of the ANXA11 gene. It does not directly change the encoded amino acid sequence of the ANXA11 protein. It affects a nucleotide within the consensus splice site. This variant is not present in population databases (gnomAD no frequency). This variant has not been reported in the literature in individuals affected with ANXA11-related conditions. Variants that disrupt the consensus splice site are a relatively common cause of aberrant splicing (PMID: 17576681, 9536098). Algorithms developed to predict the effect of sequence changes on RNA splicing suggest that this variant is not likely to affect RNA splicing. In summary, the available evidence is currently insufficient to determine the role of this variant in disease. Therefore, it has been classified as a Variant of Uncertain Significance.

Literature cited by the submitters: PubMed 17576681; PubMed 9536098.

NM_145868.2(ANXA11):c.1181-3T>A

Genes: ANXA11 (annexin A11; minus strand), LOC126860977 (CDK7 strongly-dependent group 2 enhancer GRCh37_chr10:81917938-81919137; plus strand). Cytogenetic location: 10q22.3.
Variant type: single nucleotide variant.
Coding change: c.1181-3T>A on transcript NM_145868.2 (MANE Select); 3 bases into the intron before coding-DNA position 1181, T replaced by A.
Molecular consequence: intron variant.
Genome position (GRCh38, 1-based): chr10:80,159,198, A>T on the plus strand (T>A on the coding strand, the complement: ANXA11 is on the minus strand). VCF-style: chr10-80159198-A-T. GRCh37 (hg19) VCF-style: chr10-81918954-A-T.
Other names: c.1181-3T>A (NM_001278407.2, NM_001157.3, NM_145869.2 and 1 more transcripts); c.1082-3T>A (NM_001278409.2).
Identifiers: ClinVar variation 1943703 (VCV001943703.5), dbSNP rs1845408781, ClinGen allele CA930357288.